The following is an entry in ClinVar:

ClinVar aggregate classification (germline): Benign/Likely benign. Review status: criteria provided, multiple submitters, no conflicts (2 of 4 stars). 3 submissions from 3 submitters: Benign (1); Likely benign (2). Last evaluated 2026-02-01.

Conditions:
Hereditary cancer-predisposing syndrome. Also called: Hereditary Cancer Syndrome; Neoplastic Syndromes, Hereditary; Tumor predisposition; Hereditary neoplastic syndrome. Identifiers: Orphanet 140162, MedGen C0027672, MeSH D009386, MONDO:0015356.
Oligodontia-cancer predisposition syndrome. Also called: TOOTH AGENESIS-COLORECTAL CANCER SYNDROME. Identifiers: Orphanet 300576, MedGen C1837750, MONDO:0012075, OMIM 608615. Disease mechanism: loss of function.

Allele frequency attached by ClinVar (database versions not stated): TOPMed below 0.00001.

Submissions (3):

Ambry Genetics
Classification: Likely benign for Hereditary cancer-predisposing syndrome. Last evaluated: 2026-02-01. Review status: criteria provided, single submitter. Criteria: Ambry Variant Classification Scheme 2023. Collection method: clinical testing. Allele origin: germline.

Myriad Genetics, Inc.
Classification: Benign for Oligodontia-cancer predisposition syndrome. Last evaluated: 2024-06-27. Review status: criteria provided, single submitter. Criteria: Myriad Autosomal Dominant, Autosomal Recessive and X-Linked Classification Criteria (2023). Collection method: clinical testing. Allele origin: unknown.
Comment: This variant is considered benign. This variant is a silent/synonymous amino acid change and it is not expected to impact splicing.

Labcorp Genetics (formerly Invitae), Labcorp
Classification: Likely benign for Oligodontia-cancer predisposition syndrome. Last evaluated: 2024-03-20. Review status: criteria provided, single submitter. Criteria: Invitae Variant Classification Sherloc (09022015). Collection method: clinical testing. Allele origin: germline.

NM_004655.4(AXIN2):c.654A>G (p.Leu218=)

Gene: AXIN2 (axin 2; minus strand). Cytogenetic location: 17q24.1.
Variant type: single nucleotide variant.
Coding change: c.654A>G on transcript NM_004655.4 (MANE Select); coding-DNA position 654, A replaced by G.
Protein change: p.Leu218=; no amino-acid change (leucine 218 retained).
Molecular consequence: synonymous variant.
Genome position (GRCh38, 1-based): chr17:65,557,967, T>C on the plus strand (A>G on the coding strand, the complement: AXIN2 is on the minus strand). VCF-style: chr17-65557967-T-C. GRCh37 (hg19) VCF-style: chr17-63554085-T-C.
Other names: c.654A>G, p.Leu218= (NM_001363813.1); c.654A>G (NM_004655.3).
Identifiers: ClinVar variation 1115956 (VCV001115956.11), dbSNP rs2044295972, ClinGen allele CA501691446.
Genomic context (GRCh38, chr17:65,557,967, plus strand): 5'-GTCGGCACAAGTCCACTCCTCTTCTTCATTCAAGGTGGGGAGATAGCCACACACGACCTT[T>C]AGGCTCCCGAGTCCCCCATTACTCATGTAAGCTGTGTTTTCTCCCCCACTCCTCACATAT-3'
Protein context (NP_004646.3, residues 208-228): AYMSNGGLGS[Leu218=]KVVCGYLPTL